The following is an entry in ClinVar:

ClinVar aggregate classification (germline): Uncertain significance. Review status: criteria provided, multiple submitters, no conflicts (2 of 4 stars). 2 submissions from 2 submitters: Uncertain significance (2). Last evaluated 2022-03-30.

Conditions:
Hereditary cancer-predisposing syndrome. Also called: Neoplastic Syndromes, Hereditary; Tumor predisposition; Hereditary Cancer Syndrome; Hereditary neoplastic syndrome. Identifiers: Orphanet 140162, MedGen C0027672, MeSH D009386, MONDO:0015356.
Familial melanoma. Also called: Hereditary melanoma; Hereditary cutaneous melanoma. Identifiers: Orphanet 618, MedGen C1512419, MONDO:0018961.

Submissions (2):

Labcorp Genetics (formerly Invitae), Labcorp
Classification: Uncertain significance for Familial melanoma. Last evaluated: 2022-03-30. Review status: criteria provided, single submitter. Criteria: Invitae Variant Classification Sherloc (09022015). Collection method: clinical testing. Allele origin: germline.
Comment: This sequence change replaces leucine, which is neutral and non-polar, with proline, which is neutral and non-polar, at codon 113 of the CDKN2A (p16INK4a) protein (p.Leu113Pro). In summary, the available evidence is currently insufficient to determine the role of this variant in disease. Therefore, it has been classified as a Variant of Uncertain Significance. Experimental studies have shown that this missense change does not substantially affect CDKN2A (p16INK4a) function (PMID: 12606942). Algorithms developed to predict the effect of missense changes on protein structure and function are either unavailable or do not agree on the potential impact of this missense change (SIFT: "Deleterious"; PolyPhen-2: "Probably Damaging"; Align-GVGD: "Class C15"). ClinVar contains an entry for this variant (Variation ID: 833598). This variant has not been reported in the literature in individuals affected with CDKN2A (p16INK4a)-related conditions. This variant is not present in population databases (gnomAD no frequency).

Ambry Genetics
Classification: Uncertain significance for Hereditary cancer-predisposing syndrome. Last evaluated: 2020-12-02. Review status: criteria provided, single submitter. Criteria: Ambry Variant Classification Scheme 2023. Collection method: clinical testing. Allele origin: germline.
Comment: The p.L113P variant (also known as c.338T>C), located in coding exon 2 of the CDKN2A gene, results from a T to C substitution at nucleotide position 338. The leucine at codon 113 is replaced by proline, an amino acid with similar properties. This alteration has demonstrated wildtype-like function in a cell cycle arrest assay (Greenblatt MS et al. Oncogene, 2003 Feb;22:1150-63; Miller PJ et al. Hum Mutat, 2011 Aug;32:900-11). This amino acid position is well conserved in available vertebrate species. In addition, this alteration is predicted to be deleterious by in silico analysis. Since supporting evidence is limited at this time, the clinical significance of this alteration remains unclear.

Literature cited by the submitters: PubMed 12606942 (cited by Labcorp Genetics (formerly Invitae), Labcorp and Ambry Genetics); PubMed 21462282 (cited by Ambry Genetics).

NM_000077.5(CDKN2A):c.338T>C (p.Leu113Pro)

Gene: CDKN2A (cyclin dependent kinase inhibitor 2A; minus strand). Cytogenetic location: 9p21.3.
Variant type: single nucleotide variant.
Coding change: c.338T>C on transcript NM_000077.5; coding-DNA position 338, T replaced by C.
Protein change: p.Leu113Pro; replaces leucine 113 with proline.
Molecular consequence: missense variant (on NM_000077.6). On other transcripts: synonymous variant (1), 3 prime UTR variant (1).
Genome position (GRCh38, 1-based): chr9:21,971,021, A>G on the plus strand (T>C on the coding strand, the complement: CDKN2A is on the minus strand). VCF-style: chr9-21971021-A-G. GRCh37 (hg19) VCF-style: chr9-21971020-A-G.
Other names: c.338T>C, p.Leu113Pro (NM_000077.6, NM_001195132.2); c.185T>C, p.Leu62Pro (NM_001363763.2); c.381T>C, p.Ser127= (NM_058195.4); c.*261T>C (NM_058197.5); short protein forms L62P, L113P.
Identifiers: ClinVar variation 833598 (VCV000833598.12), dbSNP rs1819695317, ClinGen allele CA373086028.